The following is an entry in ClinVar:

ClinVar aggregate classification (germline): Uncertain significance (1 of 4 stars; one submission).

Conditions:
3-methylglutaconic aciduria, type VIIB (MGCA7B). Also called: 3-methylglutaconic aciduria, type VII, with cataracts, neurologic involvement and neutropenia; CLPB Deficiency; 3-methylglutaconic aciduria with cataracts, neurologic involvement and neutropenia. Identifiers: Orphanet 445038, MedGen C5676893, MONDO:0014561, OMIM 616271.

Submission:

Labcorp Genetics (formerly Invitae), Labcorp
Classification: Uncertain significance for 3-methylglutaconic aciduria, type VIIB. Last evaluated: 2025-06-09. Review status: criteria provided, single submitter. Criteria: Invitae Variant Classification Sherloc (09022015). Collection method: clinical testing. Allele origin: germline.
Comment: This sequence change replaces phenylalanine, which is neutral and non-polar, with leucine, which is neutral and non-polar, at codon 337 of the CLPB protein (p.Phe337Leu). This variant is not present in population databases (gnomAD no frequency). This variant has not been reported in the literature in individuals affected with CLPB-related conditions. An algorithm developed to predict the effect of missense changes on protein structure and function (PolyPhen-2) suggests that this variant is likely to be tolerated. In summary, the available evidence is currently insufficient to determine the role of this variant in disease. Therefore, it has been classified as a Variant of Uncertain Significance.

NM_001258392.3(CLPB):c.921C>A (p.Phe307Leu)

Gene: CLPB (ClpB family mitochondrial disaggregase; minus strand). Cytogenetic location: 11q13.4.
Variant type: single nucleotide variant.
Coding change: c.921C>A on transcript NM_001258392.3 (MANE Select); coding-DNA position 921, C replaced by A.
Protein change: p.Phe307Leu; replaces phenylalanine 307 with leucine.
Molecular consequence: missense variant.
Genome position (GRCh38, 1-based): chr11:72,317,173, G>T on the plus strand (C>A on the coding strand, the complement: CLPB is on the minus strand). VCF-style: chr11-72317173-G-T. GRCh37 (hg19) VCF-style: chr11-72028217-G-T.
Other names: c.834C>A, p.Phe278Leu (NM_001258393.3); c.876C>A, p.Phe292Leu (NM_001258394.3); c.1011C>A, p.Phe337Leu (NM_030813.6); short protein forms F278L, F292L, F307L, F337L.
Identifiers: ClinVar variation 4799223 (VCV004799223.1).
Genomic context (GRCh38, chr11:72,317,173, plus strand): 5'-CACTGTGGCGATGGCGCTCTCCTGGCCAATGATGTGCTCCTTTAGTCGCTGCTCCAGGGG[G>T]AAGCGGCGCCGCTCCTCAGCCTCACGCTTCCGCTGCTTCTCTTGGTACTGTGGGGAGAGA-3'
Protein context (NP_001245321.1, residues 297-317): RKREAEERRR[Phe307Leu]PLEQRLKEHI